The following is an entry in ClinVar:

ClinVar aggregate classification (germline): Benign. Review status: criteria provided, multiple submitters, no conflicts (2 of 4 stars). 3 submissions from 3 submitters: Benign (3). Last evaluated 2018-06-14.

Conditions:
Progressive myoclonic epilepsy type 3. Also called: EPILEPSY, PROGRESSIVE MYOCLONIC, 3, WITH OR WITHOUT INTRACELLULAR INCLUSIONS; CEROID LIPOFUSCINOSIS, NEURONAL, 14; EPILEPSY, PROGRESSIVE MYOCLONIC, 3, WITHOUT INTRACELLULAR INCLUSIONS; KCTD7-Related Progressive Myoclonic Epilepsy. Identifiers: Orphanet 263516, MedGen C2673257, MONDO:0012721, OMIM 611726.

Allele frequency attached by ClinVar (database versions not stated): 1000 Genomes Project 0.62380; 1000 Genomes Project 30x 0.62742; TOPMed 0.66473; gnomAD 0.66709 and 0.67438.

Submissions (3):

GeneDx
Classification: Benign. Last evaluated: 2018-06-14. Review status: criteria provided, single submitter. Criteria: GeneDx Variant Classification Process June 2021. Collection method: clinical testing. Allele origin: germline. Affected: yes.

Illumina Laboratory Services, Illumina
Classification: Benign for Progressive myoclonic epilepsy type 3. Last evaluated: 2018-01-13. Review status: criteria provided, single submitter. Criteria: ICSL Variant Classification Criteria 13 December 2019. Collection method: clinical testing. Allele origin: germline.
Comment: This variant was observed in the ICSL laboratory as part of a predisposition screen in an ostensibly healthy population. It had not been previously curated by ICSL or reported in the Human Gene Mutation Database (HGMD: prior to June 1st, 2018), and was therefore a candidate for classification through an automated scoring system. Utilizing variant allele frequency, disease prevalence and penetrance estimates, and inheritance mode, an automated score was calculated to assess if this variant is too frequent to cause the disease. Based on the score and internal cut-off values, a variant classified as benign is not then subjected to further curation. The score for this variant resulted in a classification of benign for this disease.

Breakthrough Genomics
Classification: Benign. Review status: criteria provided, single submitter. Criteria: ACMG Guidelines, 2015. Collection method: not provided. Allele origin: germline. Inheritance: Autosomal recessive inheritance. Affected: yes.

NM_153033.5(KCTD7):c.*944C>G

Gene: KCTD7 (potassium channel tetramerization domain containing 7; plus strand). Cytogenetic location: 7q11.21.
Variant type: single nucleotide variant.
Coding change: c.*944C>G on transcript NM_153033.5 (MANE Select); 944 bases downstream of the stop codon, C replaced by G.
Molecular consequence: 3 prime UTR variant. On other transcripts: intron variant (1).
Genome position (GRCh38, 1-based): chr7:66,640,176, C>G. VCF-style: chr7-66640176-C-G. GRCh37 (hg19) VCF-style: chr7-66105163-C-G.
Other names: c.867-218C>G (NM_001167961.2).
Identifiers: ClinVar variation 360600 (VCV000360600.8), dbSNP rs9791712, ClinGen allele CA10626337.